The following is an entry in ClinVar:

NM_001844.5(COL2A1):c.2156G>T (p.Arg719Leu)

Gene: COL2A1 (collagen type II alpha 1 chain; minus strand). Cytogenetic location: 12q13.11.
Variant type: single nucleotide variant.
Coding change: c.2156G>T on transcript NM_001844.5 (MANE Select); coding-DNA position 2156, G replaced by T.
Protein change: p.Arg719Leu; replaces arginine 719 with leucine.
Molecular consequence: missense variant.
Genome position (GRCh38, 1-based): chr12:47,982,885, C>A on the plus strand (G>T on the coding strand, the complement: COL2A1 is on the minus strand). VCF-style: chr12-47982885-C-A. GRCh37 (hg19) VCF-style: chr12-48376668-C-A.
Other names: c.1949G>T, p.Arg650Leu (NM_033150.3); short protein forms R719L, R650L.
Identifiers: ClinVar variation 196863 (VCV000196863.6), dbSNP rs535980544, ClinGen allele CA244643.

ClinVar aggregate classification (germline): Uncertain significance. Review status: criteria provided, multiple submitters, no conflicts (2 of 4 stars). 2 submissions from 2 submitters: Uncertain significance (2). Last evaluated 2025-10-21.

gnomAD v4.1: 1 of 1,612,848 alleles (0.000062%); highest among the groups gnomAD compares: Non-Finnish European, 0.000085%; no homozygotes.

Submissions (2):

Labcorp Genetics (formerly Invitae), Labcorp
Classification: Uncertain significance. Last evaluated: 2025-10-21. Review status: criteria provided, single submitter. Criteria: Invitae Variant Classification Sherloc (09022015). Collection method: clinical testing. Allele origin: germline.
Comment: This sequence change replaces arginine, which is basic and polar, with leucine, which is neutral and non-polar, at codon 719 of the COL2A1 protein (p.Arg719Leu). This variant is not present in population databases (gnomAD no frequency). This variant has not been reported in the literature in individuals affected with COL2A1-related conditions. ClinVar contains an entry for this variant (Variation ID: 196863). Invitae Evidence Modeling of protein sequence and biophysical properties (such as structural, functional, and spatial information, amino acid conservation, physicochemical variation, residue mobility, and thermodynamic stability) has been performed for this missense variant. However, the output from this modeling did not meet the statistical confidence thresholds required to predict the impact of this variant on COL2A1 protein function. This variant disrupts the p.Arg719 amino acid residue in COL2A1. Other variant(s) that disrupt this residue have been determined to be pathogenic (PMID: 1975693, 1985108, 26443184). This suggests that this residue is clinically significant, and that variants that disrupt this residue are likely to be disease-causing. In summary, the available evidence is currently insufficient to determine the role of this variant in disease. Therefore, it has been classified as a Variant of Uncertain Significance.

Eurofins Ntd Llc (ga)
Classification: Uncertain significance. Last evaluated: 2014-07-07. Review status: criteria provided, single submitter. Criteria: EGL Classification Definitions 2015. Collection method: clinical testing. Allele origin: germline. Observed: 1 variant allele, 1 heterozygote.

Literature cited by the submitters: PubMed 1975693 (cited by Labcorp Genetics (formerly Invitae), Labcorp); PubMed 1985108 (cited by Labcorp Genetics (formerly Invitae), Labcorp); PubMed 26443184 (cited by Labcorp Genetics (formerly Invitae), Labcorp).